The following is an entry in ClinVar:

NM_001042681.2(RERE):c.2067C>T (p.Asp689=)

Gene: RERE (arginine-glutamic acid dipeptide repeats; minus strand). Cytogenetic location: 1p36.23.
Variant type: single nucleotide variant.
Coding change: c.2067C>T on transcript NM_001042681.2 (MANE Select); coding-DNA position 2067, C replaced by T.
Protein change: p.Asp689=; no amino-acid change (aspartic acid 689 retained).
Molecular consequence: synonymous variant.
Genome position (GRCh38, 1-based): chr1:8,361,440, G>A on the plus strand (C>T on the coding strand, the complement: RERE is on the minus strand). VCF-style: chr1-8361440-G-A. GRCh37 (hg19) VCF-style: chr1-8421500-G-A.
Other names: c.405C>T, p.Asp135= (NM_001042682.2); c.2067C>T, p.Asp689= (NM_012102.4).
Identifiers: ClinVar variation 5040954 (VCV005040954.1).

ClinVar aggregate classification (germline): Likely benign (1 of 4 stars; one submission).

gnomAD v4.1: 13 of 1,613,660 alleles (0.00081%); highest among the groups gnomAD compares: South Asian, 0.0088%; 1 homozygote.

Submission:

CeGaT Center for Human Genetics Tuebingen
Classification: Likely benign. Last evaluated: 2026-09-01. Review status: criteria provided, single submitter. Criteria: CeGaT Center For Human Genetics Tuebingen Variant Classification Criteria Version 2. Collection method: clinical testing. Allele origin: germline. Affected: yes. Observed: 1 variant allele.
Comment: RERE: BP4